The following is an entry in ClinVar:

ClinVar aggregate classification (germline): Benign/Likely benign. Review status: criteria provided, multiple submitters, no conflicts (2 of 4 stars). 3 submissions from 3 submitters: Benign (1); Likely benign (2). Last evaluated 2026-07-14.

Conditions:
Hereditary cancer-predisposing syndrome. Also called: Hereditary Cancer Syndrome; Hereditary neoplastic syndrome; Neoplastic Syndromes, Hereditary; Tumor predisposition. Identifiers: Orphanet 140162, MedGen C0027672, MeSH D009386, MONDO:0015356.
Rhabdoid tumor predisposition syndrome 2 (RTPS2). Identifiers: Orphanet 231108, Orphanet 69077, MedGen C2750074, MONDO:0013224, OMIM 613325.

Submissions (3):

Myriad Genetics, Inc.
Classification: Benign for Rhabdoid tumor predisposition syndrome 2. Last evaluated: 2026-07-14. Review status: criteria provided, single submitter. Criteria: Myriad Autosomal Dominant, Autosomal Recessive and X-Linked Classification Criteria (2023). Collection method: clinical testing. Allele origin: unknown.
Comment: This variant is considered benign. This variant is a silent/synonymous amino acid change and it is not expected to impact splicing.

Labcorp Genetics (formerly Invitae), Labcorp
Classification: Likely benign for Rhabdoid tumor predisposition syndrome 2. Last evaluated: 2024-05-14. Review status: criteria provided, single submitter. Criteria: Invitae Variant Classification Sherloc (09022015). Collection method: clinical testing. Allele origin: germline.

Ambry Genetics
Classification: Likely benign for Hereditary cancer-predisposing syndrome. Last evaluated: 2021-04-16. Review status: criteria provided, single submitter. Criteria: Ambry Variant Classification Scheme 2023. Collection method: clinical testing. Allele origin: germline.

NM_003072.5(SMARCA4):c.3207T>C (p.Ile1069=)

Gene: SMARCA4 (SWI/SNF related BAF chromatin remodeling complex subunit ATPase 4; plus strand). Cytogenetic location: 19p13.2.
Variant type: single nucleotide variant.
Coding change: c.3207T>C on transcript NM_003072.5 (MANE Select); coding-DNA position 3207, T replaced by C.
Protein change: p.Ile1069=; no amino-acid change (isoleucine 1069 retained).
Molecular consequence: synonymous variant. On other transcripts: non-coding transcript variant (1).
Genome position (GRCh38, 1-based): chr19:11,026,338, T>C. VCF-style: chr19-11026338-T-C. GRCh37 (hg19) VCF-style: chr19-11137014-T-C.
Other names: c.3207T>C, p.Ile1069= (NM_001128844.3, NM_001128845.2, NM_001128846.2 and 5 more transcripts).
Identifiers: ClinVar variation 1142698 (VCV001142698.12), dbSNP rs1772736536, ClinGen allele CA505491509.